The following is an entry in ClinVar:

NM_001754.5(RUNX1):c.1360G>A (p.Glu454Lys)

Gene: RUNX1 (RUNX family transcription factor 1; minus strand). Cytogenetic location: 21q22.12.
Variant type: single nucleotide variant.
Coding change: c.1360G>A on transcript NM_001754.5 (MANE Select); coding-DNA position 1360, G replaced by A.
Protein change: p.Glu454Lys; replaces glutamic acid 454 with lysine.
Molecular consequence: missense variant.
Genome position (GRCh38, 1-based): chr21:34,792,218, C>T on the plus strand (G>A on the coding strand, the complement: RUNX1 is on the minus strand). VCF-style: chr21-34792218-C-T. GRCh37 (hg19) VCF-style: chr21-36164515-C-T.
Other names: c.1279G>A, p.Glu427Lys (NM_001001890.3); short protein forms E427K, E454K.
Identifiers: ClinVar variation 5028595 (VCV005028595.1).
Genomic context (GRCh38, chr21:34,792,218, plus strand): 5'-CCTCCAGGCGCGCGGAGGGCGCCATGTTGGTGGGGGAGTTGCTGTGGCTGCCCTCGGCCT[C>T]CACCACGTCGCTCTGGTTCGGGAGGCTGGGGTTGAGCAGCGCGGAGCCGGTGGAGGCGTT-3'
Protein context (NP_001745.2, residues 444-464): PSLPNQSDVV[Glu454Lys]AEGSHSNSPT

ClinVar aggregate classification (germline): Uncertain significance (1 of 4 stars; one submission).

Conditions:
Inborn genetic diseases. Identifiers: MedGen C0950123, MeSH D030342.

Submission:

Ambry Genetics
Classification: Uncertain significance for Inborn genetic diseases. Last evaluated: 2026-08-01. Review status: criteria provided, single submitter. Criteria: Ambry Variant Classification Scheme 2023. Collection method: clinical testing. Allele origin: germline.
Comment: The p.E454K variant (also known as c.1360G>A), located in coding exon 8 of the RUNX1 gene, results from a G to A substitution at nucleotide position 1360. The glutamic acid at codon 454 is replaced by lysine, an amino acid with similar properties. This amino acid position is conserved. In addition, this alteration is predicted to be tolerated by in silico analysis. Based on the available evidence, the clinical significance of this variant remains unclear.